The following is an entry in ClinVar:

ClinVar aggregate classification (germline): Benign/Likely benign. Review status: criteria provided, multiple submitters, no conflicts (2 of 4 stars). 3 submissions from 3 submitters: Benign (1); Likely benign (2). Last evaluated 2026-04-12.

Conditions:
Hereditary cancer-predisposing syndrome. Also called: Hereditary neoplastic syndrome; Neoplastic Syndromes, Hereditary; Tumor predisposition; Hereditary Cancer Syndrome. Identifiers: Orphanet 140162, MedGen C0027672, MeSH D009386, MONDO:0015356.
Breast-ovarian cancer, familial, susceptibility to, 4. Identifiers: Orphanet 145, MedGen C3280345, MONDO:0013669, OMIM 614291.

Submissions (3):

Ambry Genetics
Classification: Likely benign for Hereditary cancer-predisposing syndrome. Last evaluated: 2026-04-12. Review status: criteria provided, single submitter. Criteria: Ambry Variant Classification Scheme 2023. Collection method: clinical testing. Allele origin: germline.

Labcorp Genetics (formerly Invitae), Labcorp
Classification: Likely benign for Breast-ovarian cancer, familial, susceptibility to, 4. Last evaluated: 2025-10-06. Review status: criteria provided, single submitter. Criteria: Invitae Variant Classification Sherloc (09022015). Collection method: clinical testing. Allele origin: germline.

Myriad Genetics, Inc.
Classification: Benign for Breast-ovarian cancer, familial, susceptibility to, 4. Last evaluated: 2025-02-24. Review status: criteria provided, single submitter. Criteria: Myriad Autosomal Dominant, Autosomal Recessive and X-Linked Classification Criteria (2023). Collection method: clinical testing. Allele origin: unknown.
Comment: This variant is considered benign. This variant is a silent/synonymous amino acid change and it is not expected to impact splicing.

NM_002878.4(RAD51D):c.786T>G (p.Pro262=)

Genes: RAD51D (RAD51 paralog D; minus strand), RAD51L3-RFFL (RAD51L3-RFFL readthrough; minus strand). Cytogenetic location: 17q12.
Variant type: single nucleotide variant.
Coding change: c.786T>G on transcript NM_002878.4 (MANE Select); coding-DNA position 786, T replaced by G.
Protein change: p.Pro262=; no amino-acid change (proline 262 retained).
Molecular consequence: synonymous variant. On other transcripts: non-coding transcript variant (3).
Genome position (GRCh38, 1-based): chr17:35,101,318, A>C on the plus strand (T>G on the coding strand, the complement: RAD51D is on the minus strand). VCF-style: chr17-35101318-A-C. GRCh37 (hg19) VCF-style: chr17-33428337-A-C.
Other names: c.846T>G, p.Pro282= (NM_001142571.2); c.450T>G, p.Pro150= (NM_133629.3).
Identifiers: ClinVar variation 2844705 (VCV002844705.5), dbSNP rs771631684, ClinGen allele CA499728829.
Genomic context (GRCh38, chr17:35,101,318, plus strand): 5'-CTCGATGGTGTCCAGGAGAATCCGAGTGCTGGGCACAAAGCTCCAGGAGCGTCCGAGGGC[A>C]GGTTTGAGCCTCCCGCTGTCCCTGTCTCGAGTTATGTGGTTGGTCACCTGCAGCAGAAAC-3'
Protein context (NP_002869.3, residues 252-272): TRDRDSGRLK[Pro262=]ALGRSWSFVP